The following is an entry in ClinVar:

ClinVar aggregate classification (germline): Likely benign. Review status: criteria provided, multiple submitters, no conflicts (2 of 4 stars). 2 submissions from 2 submitters: Likely benign (2). Last evaluated 2021-01-24.

Conditions:
Hereditary cancer-predisposing syndrome. Also called: Hereditary Cancer Syndrome; Hereditary neoplastic syndrome; Neoplastic Syndromes, Hereditary; Tumor predisposition. Identifiers: Orphanet 140162, MedGen C0027672, MeSH D009386, MONDO:0015356.

Submissions (2):

Ambry Genetics
Classification: Likely benign for Hereditary cancer-predisposing syndrome. Last evaluated: 2021-01-24. Review status: criteria provided, single submitter. Criteria: Ambry Variant Classification Scheme 2023. Collection method: clinical testing. Allele origin: germline.

GeneDx
Classification: Likely benign. Last evaluated: 2016-09-19. Review status: criteria provided, single submitter. Criteria: GeneDx Variant Classification (06012015). Collection method: clinical testing. Allele origin: germline. Affected: yes.
Comment: This variant is considered likely benign or benign based on one or more of the following criteria: it is a conservative change, it occurs at a poorly conserved position in the protein, it is predicted to be benign by multiple in silico algorithms, and/or has population frequency not consistent with disease.

NM_000038.6(APC):c.6792T>G (p.Gly2264=)

Gene: APC (APC regulator of Wnt signaling pathway; plus strand). Cytogenetic location: 5q22.2.
Variant type: single nucleotide variant.
Coding change: c.6792T>G on transcript NM_000038.6 (MANE Select); coding-DNA position 6792, T replaced by G.
Protein change: p.Gly2264=; no amino-acid change (glycine 2264 retained).
Molecular consequence: synonymous variant.
Genome position (GRCh38, 1-based): chr5:112,842,386, T>G. VCF-style: chr5-112842386-T-G. GRCh37 (hg19) VCF-style: chr5-112178083-T-G.
Other names: c.6792T>G, p.Gly2264= (NM_001127510.3, NM_001354895.2); c.6738T>G, p.Gly2246= (NM_001127511.3); c.6846T>G, p.Gly2282= (NM_001354896.2); c.6822T>G, p.Gly2274= (NM_001354897.2); c.6717T>G, p.Gly2239= (NM_001354898.2); c.6708T>G, p.Gly2236= (NM_001354899.2); c.6669T>G, p.Gly2223= (NM_001354900.2); c.6615T>G, p.Gly2205= (NM_001354901.2); and 5 more.
Identifiers: ClinVar variation 389466 (VCV000389466.3), dbSNP rs1057523439, ClinGen allele CA16604671.
Genomic context (GRCh38, chr5:112,842,386, plus strand): 5'-TCCTGTTTCTAAAAAAGGCCCACCCCTTAAGACTCCAGCCTCCAAAAGCCCTAGTGAAGG[T>G]CAAACAGCCACCACTTCTCCTAGAGGAGCCAAGCCATCTGTGAAATCAGAATTAAGCCCT-3'
Protein context (NP_000029.2, residues 2254-2274): KTPASKSPSE[Gly2264=]QTATTSPRGA